The following is an entry in ClinVar:

ClinVar aggregate classification (germline): Uncertain significance (1 of 4 stars; one submission).

Conditions:
Lysinuric protein intolerance (LPI). Identifiers: Orphanet 470, MedGen C0268647, MONDO:0009109, OMIM 222700.

Allele frequency attached by ClinVar (database versions not stated): gnomAD exomes below 0.00001.

Submission:

Labcorp Genetics (formerly Invitae), Labcorp
Classification: Uncertain significance for Lysinuric protein intolerance. Last evaluated: 2024-06-03. Review status: criteria provided, single submitter. Criteria: Invitae Variant Classification Sherloc (09022015). Collection method: clinical testing. Allele origin: germline.
Comment: This sequence change replaces methionine, which is neutral and non-polar, with threonine, which is neutral and polar, at codon 143 of the SLC7A7 protein (p.Met143Thr). This variant is not present in population databases (gnomAD no frequency). This variant has not been reported in the literature in individuals affected with SLC7A7-related conditions. ClinVar contains an entry for this variant (Variation ID: 1962158). An algorithm developed to predict the effect of missense changes on protein structure and function (PolyPhen-2) suggests that this variant is likely to be tolerated. In summary, the available evidence is currently insufficient to determine the role of this variant in disease. Therefore, it has been classified as a Variant of Uncertain Significance.

NM_003982.4(SLC7A7):c.428T>C (p.Met143Thr)

Gene: SLC7A7 (solute carrier family 7 member 7; minus strand). Cytogenetic location: 14q11.2.
Variant type: single nucleotide variant.
Coding change: c.428T>C on transcript NM_003982.4 (MANE Select); coding-DNA position 428, T replaced by C.
Protein change: p.Met143Thr; replaces methionine 143 with threonine.
Molecular consequence: missense variant.
Genome position (GRCh38, 1-based): chr14:22,812,971, A>G on the plus strand (T>C on the coding strand, the complement: SLC7A7 is on the minus strand). VCF-style: chr14-22812971-A-G. GRCh37 (hg19) VCF-style: chr14-23282180-A-G.
Other names: c.428T>C, p.Met143Thr (NM_001126105.3, NM_001126106.4); short protein forms M143T.
Identifiers: ClinVar variation 1962158 (VCV001962158.4), dbSNP rs2501974495, ClinGen allele CA388922046.